The following is an entry in ClinVar:

ClinVar aggregate classification (germline): Likely benign. Review status: criteria provided, multiple submitters, no conflicts (2 of 4 stars). 2 submissions from 2 submitters: Likely benign (2). Last evaluated 2024-12-28.

Conditions:
NNT-related disorder. Also called: NNT-related condition.

Allele frequency attached by ClinVar (database versions not stated): gnomAD exomes 0.00003 and 0.00001; TOPMed 0.00005; gnomAD 0.00001; ExAC 0.00003.
gnomAD v4.1: 11 of 1,544,586 alleles (0.00071%); highest among the groups gnomAD compares: Admixed American, 0.018%; no homozygotes.

Submissions (2):

PreventionGenetics, part of Exact Sciences
Classification: Likely benign for NNT-related condition. Last evaluated: 2024-12-28. Review status: criteria provided, single submitter. Criteria: ACMG Guidelines, 2015. Collection method: clinical testing. Allele origin: germline.
Comment: This variant is classified as likely benign based on ACMG/AMP sequence variant interpretation guidelines (Richards et al. 2015 PMID: 25741868, with internal and published modifications).

Labcorp Genetics (formerly Invitae), Labcorp
Classification: Likely benign. Last evaluated: 2017-10-03. Review status: criteria provided, single submitter. Criteria: Invitae Variant Classification Sherloc (09022015). Collection method: clinical testing. Allele origin: germline.

NM_182977.3(NNT):c.2455-9T>C

Gene: NNT (nicotinamide nucleotide transhydrogenase; plus strand). Cytogenetic location: 5p12.
Variant type: single nucleotide variant.
Coding change: c.2455-9T>C on transcript NM_182977.3 (MANE Select); 9 bases into the intron before coding-DNA position 2455, T replaced by C.
Molecular consequence: intron variant.
Genome position (GRCh38, 1-based): chr5:43,659,162, T>C. VCF-style: chr5-43659162-T-C. GRCh37 (hg19) VCF-style: chr5-43659264-T-C.
Other names: c.2455-9T>C (NM_012343.4); c.2062-9T>C (NM_001331026.2).
Identifiers: ClinVar variation 705564 (VCV000705564.4), dbSNP rs759043081, ClinGen allele CA3258244.